The following is an entry in ClinVar:

ClinVar aggregate classification (germline): Likely benign (0 of 4 stars; one submission).

Conditions:
LIPE-related disorder. Also called: LIPE-related condition.

Allele frequency attached by ClinVar (database versions not stated): TOPMed below 0.00001.

Submission:

PreventionGenetics, part of Exact Sciences
Classification: Likely benign for LIPE-related condition. Last evaluated: 2020-11-23. Review status: no assertion criteria provided. Collection method: clinical testing. Allele origin: germline.
Comment: This variant is classified as likely benign based on ACMG/AMP sequence variant interpretation guidelines (Richards et al. 2015 PMID: 25741868, with internal and published modifications).

NM_005357.4(LIPE):c.2968-9G>C

Genes: LIPE (lipase E, hormone sensitive type; minus strand), LIPE-AS1 (LIPE antisense RNA 1; plus strand), LOC101930071 (uncharacterized LOC101930071; plus strand). Cytogenetic location: 19q13.2.
Variant type: single nucleotide variant.
Coding change: c.2968-9G>C on transcript NM_005357.4 (MANE Select); 9 bases into the intron before coding-DNA position 2968, G replaced by C.
Molecular consequence: intron variant.
Genome position (GRCh38, 1-based): chr19:42,402,084, C>G on the plus strand (G>C on the coding strand, the complement: LIPE is on the minus strand). VCF-style: chr19-42402084-C-G. GRCh37 (hg19) VCF-style: chr19-42906236-C-G.
Other names: c.1381-9G>C (NM_001416107.1); c.1975-9G>C (NM_001416105.1); c.2203-9G>C (NM_001416101.1); c.2218-9G>C (NM_001416100.1); c.1327-9G>C (NM_001416108.1); c.1870-9G>C (NM_001416106.1); c.2098-9G>C (NM_001416102.1); c.2065-9G>C (NM_001416103.1, NM_001416104.1).
Identifiers: ClinVar variation 3032492 (VCV003032492.2), dbSNP rs1236713085, ClinGen allele CA633473657.